The following is an entry in ClinVar:

NM_177438.3(DICER1):c.3338_3364dup (p.Ser1113_Tyr1121dup)

Gene: DICER1 (dicer 1, ribonuclease III; minus strand). Cytogenetic location: 14q32.13.
Variant type: Duplication.
Coding change: c.3338_3364dup on transcript NM_177438.3 (MANE Select); coding-DNA positions 3338 to 3364, 27 bases duplicated (CCTCTTCAGCTGAAAATGATAATTACT).
Protein change: p.Ser1113_Tyr1121dup.
Molecular consequence: inframe insertion.
Genome position (GRCh38, 1-based): chr14:95,104,032-95,104,058, AGTAATTATCATTTTCAGCTGAAGAGG duplicated on the plus strand (CCTCTTCAGCTGAAAATGATAATTACT on the coding strand, the reverse complement: DICER1 is on the minus strand); duplicating any 27 consecutive bases within chr14:95,104,032-95,104,061 gives the same sequence; the c. name uses the placement nearest the transcript's 3' end. VCF-style (leftmost placement, unchanged base first): chr14-95104031-C-CAGTAATTATCATTTTCAGCTGAAGAGG. GRCh37 (hg19) VCF-style: chr14-95570368-C-CAGTAATTATCATTTTCAGCTGAAGAGG.
Other names: c.3338_3364dup (NM_177438.2); c.3338_3364dup, p.Ser1113_Tyr1121dup (NM_001195573.1, NM_001271282.3, NM_001291628.2 and 1 more transcripts).
Identifiers: ClinVar variation 1474832 (VCV001474832.7), dbSNP rs2139970280, ClinGen allele CA2573150352.
Genomic context (GRCh38, chr14:95,104,031, plus strand): 5'-GAGGAGGTTCTATTAGCACCTTGATGTGCAGCATTTTCAGGGACAATTGTGCTGTGCTTA[C>CAGTAATTATCATTTTCAGCTGAAGAGG]AGTAATTATCATTTTCAGCTGAAGAGGAGTTAGAAATTGAGATGAAAGATTTGCTGTCAA-3'

ClinVar aggregate classification (germline): Uncertain significance. Review status: criteria provided, multiple submitters, no conflicts (2 of 4 stars). 2 submissions from 2 submitters: Uncertain significance (2). Last evaluated 2023-02-14.

Conditions:
DICER1-related tumor predisposition. Also called: DICER1-related pleuropulmonary blastoma cancer predisposition syndrome; DICER1 syndrome. Identifiers: Orphanet 284343, MedGen C3839822, MONDO:0100216.

Submissions (2):

GeneDx
Classification: Uncertain significance. Last evaluated: 2023-02-14. Review status: criteria provided, single submitter. Criteria: GeneDx Variant Classification Process June 2021. Collection method: clinical testing. Allele origin: germline. Affected: yes.
Comment: Not observed at significant frequency in large population cohorts (gnomAD); In-frame insertion of 9 amino acids in a non-repeat region; In silico analysis suggests this variant may impact gene splicing. In the absence of RNA/functional studies, the actual effect of this sequence change is unknown.; Has not been previously published as pathogenic or benign to our knowledge

Labcorp Genetics (formerly Invitae), Labcorp
Classification: Uncertain significance for DICER1-related tumor predisposition. Last evaluated: 2021-12-11. Review status: criteria provided, single submitter. Criteria: Invitae Variant Classification Sherloc (09022015). Collection method: clinical testing. Allele origin: germline.
Comment: This variant, c.3338_3364dup, results in the insertion of 9 amino acid(s) of the DICER1 protein (p.Ser1113_Tyr1121dup), but otherwise preserves the integrity of the reading frame. This variant is not present in population databases (gnomAD no frequency). This variant has not been reported in the literature in individuals affected with DICER1-related conditions. Algorithms developed to predict the effect of sequence changes on RNA splicing suggest that this variant may create or strengthen a splice site. In summary, the available evidence is currently insufficient to determine the role of this variant in disease. Therefore, it has been classified as a Variant of Uncertain Significance.